The following is an entry in ClinVar:

NM_015465.5(GEMIN5):c.3845A>G (p.Tyr1282Cys)

Gene: GEMIN5 (gem nuclear organelle associated protein 5; minus strand). Cytogenetic location: 5q33.2.
Variant type: single nucleotide variant.
Coding change: c.3845A>G on transcript NM_015465.5 (MANE Select); coding-DNA position 3845, A replaced by G.
Protein change: p.Tyr1282Cys; replaces tyrosine 1282 with cysteine.
Molecular consequence: missense variant.
Genome position (GRCh38, 1-based): chr5:154,891,658, T>C on the plus strand (A>G on the coding strand, the complement: GEMIN5 is on the minus strand). VCF-style: chr5-154891658-T-C. GRCh37 (hg19) VCF-style: chr5-154271218-T-C.
Other names: c.3842A>G, p.Tyr1281Cys (NM_001252156.2); short protein forms Y1281C, Y1282C.
Identifiers: ClinVar variation 4292723 (VCV004292723.1).

ClinVar aggregate classification (germline): Uncertain significance (1 of 4 stars; one submission).

Conditions:
Neurodevelopmental disorder with cerebellar atrophy and motor dysfunction. Identifiers: MedGen C5543427, MONDO:0859152, OMIM 619333.

gnomAD v4.1: 1 of 1,613,090 alleles (0.000062%); no homozygotes.

Submission:

3billion
Classification: Uncertain significance for Neurodevelopmental disorder with cerebellar atrophy and motor dysfunction. Last evaluated: 2025-01-25. Review status: criteria provided, single submitter. Criteria: ACMG Guidelines, 2015. Collection method: clinical testing. Allele origin: germline. Affected: yes.
Comment: The variant is observed at an extremely low frequency in the gnomAD v4.1.0 dataset (total allele frequency: <0.001%). Predicted Consequence/Location: Missense variant Damaging effect on gene or gene product predicted by in silico programs is uncertain [REVEL: 0.57 (damaging >=0.6, benign <0.4), 3Cnet: 0.52 (damaging >=0.6, benign <0.15)]. A different missense change at the same codon (p.Tyr1282His) has been reported to be associated with GEMIN5-related disorder (PMID: 33963192). However the evidence of pathogenicity is insufficient at this time. Therefore, this variant is classified as VUS according to the recommendation of ACMG/AMP guideline.

Literature cited by the submitters: PubMed 33963192.